The following is an entry in ClinVar:

NM_001162501.2(TNRC6B):c.1525G>A (p.Gly509Arg)

Gene: TNRC6B (trinucleotide repeat containing adaptor 6B; plus strand). Cytogenetic location: 22q13.1.
Variant type: single nucleotide variant.
Coding change: c.1525G>A on transcript NM_001162501.2 (MANE Select); coding-DNA position 1525, G replaced by A.
Protein change: p.Gly509Arg; replaces glycine 509 with arginine.
Molecular consequence: missense variant. On other transcripts: intron variant (1).
Genome position (GRCh38, 1-based): chr22:40,265,755, G>A. VCF-style: chr22-40265755-G-A. GRCh37 (hg19) VCF-style: chr22-40661759-G-A.
Other names: c.1525G>A, p.Gly509Arg (NM_015088.3); c.565+3582G>A (NM_001024843.2); short protein forms G509R.
Identifiers: ClinVar variation 4538993 (VCV004538993.1).
Genomic context (GRCh38, chr22:40,265,755, plus strand): 5'-CAGGACTCTAATGACAACAAATGGGGTGAAGGGAACAAAATGACATCTGGGGTCTCTCAG[G>A]GAGAATGGAAACAGCCGACTGGGTCTGATGAGTTGAAAATTGGAGAATGGAGTGGTCCAA-3'
Protein context (NP_001155973.1, residues 499-519): GNKMTSGVSQ[Gly509Arg]EWKQPTGSDE

ClinVar aggregate classification (germline): Uncertain significance (1 of 4 stars; one submission).

Submission:

GeneDx
Classification: Uncertain significance. Last evaluated: 2025-06-21. Review status: criteria provided, single submitter. Criteria: GeneDx Variant Classification Process June 2021. Collection method: clinical testing. Allele origin: germline. Affected: yes.
Comment: Not observed at significant frequency in large population cohorts (gnomAD); In silico analysis suggests that this missense variant does not alter protein structure/function; Has not been previously published as pathogenic or benign to our knowledge.